The following is an entry in ClinVar:

NM_014244.5(ADAMTS2):c.269C>T (p.Ala90Val)

Gene: ADAMTS2 (ADAM metallopeptidase with thrombospondin type 1 motif 2; minus strand). Cytogenetic location: 5q35.3.
Variant type: single nucleotide variant.
Coding change: c.269C>T on transcript NM_014244.5 (MANE Select); coding-DNA position 269, C replaced by T.
Protein change: p.Ala90Val; replaces alanine 90 with valine.
Molecular consequence: missense variant.
Genome position (GRCh38, 1-based): chr5:179,344,032, G>A on the plus strand (C>T on the coding strand, the complement: ADAMTS2 is on the minus strand). VCF-style: chr5-179344032-G-A. GRCh37 (hg19) VCF-style: chr5-178771033-G-A.
Other names: c.269C>T, p.Ala90Val (NM_021599.4); short protein forms A90V.
Identifiers: ClinVar variation 1206487 (VCV001206487.10), dbSNP rs1044141398, ClinGen allele CA133085929.

ClinVar aggregate classification (germline): Uncertain significance. Review status: criteria provided, multiple submitters, no conflicts (2 of 4 stars). 5 submissions from 5 submitters: Uncertain significance (4). 1 of the submissions does not count toward it. Last evaluated 2026-04-06.

Conditions:
Inborn genetic diseases. Identifiers: MedGen C0950123, MeSH D030342.
Ehlers-Danlos syndrome, dermatosparaxis type. Also called: EDS VIIC; Ehlers-Danlos syndrome, type VII, autosomal recessive; Dermatosparaxis. Identifiers: Orphanet 1901, MedGen C2700425, MONDO:0009161, OMIM 225410.

Allele frequency attached by ClinVar (database versions not stated): gnomAD 0.00002; TOPMed 0.00002.
gnomAD v4.1: 17 of 1,612,410 alleles (0.0011%); highest among the groups gnomAD compares: Non-Finnish European, 0.0014%; no homozygotes.

Submissions (5):

Women's Health and Genetics/Laboratory Corporation of America, LabCorp
Classification: Uncertain significance. Last evaluated: 2026-04-06. Review status: criteria provided, single submitter. Criteria: LabCorp Variant Classification Summary - May 2015. Collection method: clinical testing. Allele origin: germline.
Comment: Variant summary: ADAMTS2 c.269C>T (p.Ala90Val) results in a non-conservative amino acid change in the encoded protein sequence. Algorithms developed to predict the effect of missense changes on protein structure and function are either unavailable or do not agree on the potential impact of this missense change. The variant was absent in 242094 control chromosomes. The available data on variant occurrences in the general population are insufficient to allow any conclusion about variant significance. To our knowledge, no occurrence of c.269C>T in individuals affected with ADAMTS2-related conditions and no experimental evidence demonstrating its impact on protein function have been reported. ClinVar contains an entry for this variant (Variation ID: 1206487). Based on the evidence outlined above, the variant was classified as uncertain significance.

Ambry Genetics
Classification: Uncertain significance for Inborn genetic diseases. Last evaluated: 2025-06-18. Review status: criteria provided, single submitter. Criteria: Ambry Variant Classification Scheme 2023. Collection method: clinical testing. Allele origin: germline.

Labcorp Genetics (formerly Invitae), Labcorp
Classification: Uncertain significance for Ehlers-Danlos syndrome, dermatosparaxis type. Last evaluated: 2021-12-13. Review status: criteria provided, single submitter. Criteria: Invitae Variant Classification Sherloc (09022015). Collection method: clinical testing. Allele origin: germline.
Comment: This sequence change replaces alanine, which is neutral and non-polar, with valine, which is neutral and non-polar, at codon 90 of the ADAMTS2 protein (p.Ala90Val). This variant is not present in population databases (gnomAD no frequency). This variant has not been reported in the literature in individuals affected with ADAMTS2-related conditions. ClinVar contains an entry for this variant (Variation ID: 1206487). Algorithms developed to predict the effect of missense changes on protein structure and function output the following: SIFT: "Tolerated"; PolyPhen-2: "Benign"; Align-GVGD: "Class C0". The valine amino acid residue is found in multiple mammalian species, which suggests that this missense change does not adversely affect protein function. In summary, the available evidence is currently insufficient to determine the role of this variant in disease. Therefore, it has been classified as a Variant of Uncertain Significance.

GeneDx
Classification: Uncertain significance. Last evaluated: 2019-10-21. Review status: criteria provided, single submitter. Criteria: GeneDx Variant Classification Process June 2021. Collection method: clinical testing. Allele origin: germline. Affected: yes.
Comment: Not observed in large population cohorts (Lek et al., 2016); In silico analysis, which includes protein predictors and evolutionary conservation, supports that this variant does not alter protein structure/function; Has not been previously published as pathogenic or benign to our knowledge

Natera, Inc.
Classification: Uncertain significance for Ehlers-Danlos syndrome type VIIC. Last evaluated: 2020-03-27. Review status: no assertion criteria provided. Collection method: clinical testing. Allele origin: germline. Not counted in ClinVar's aggregate classification.